The following is an entry in ClinVar:

NM_016169.4(SUFU):c.450G>C (p.Gln150His)

Gene: SUFU (SUFU negative regulator of hedgehog signaling; plus strand). Cytogenetic location: 10q24.32.
Variant type: single nucleotide variant.
Coding change: c.450G>C on transcript NM_016169.4 (MANE Select); coding-DNA position 450, G replaced by C.
Protein change: p.Gln150His; replaces glutamine 150 with histidine.
Molecular consequence: missense variant.
Genome position (GRCh38, 1-based): chr10:102,550,102, G>C. VCF-style: chr10-102550102-G-C. GRCh37 (hg19) VCF-style: chr10-104309859-G-C.
Other names: c.450G>C, p.Gln150His (NM_001178133.2); short protein forms Q150H.
Identifiers: ClinVar variation 1741109 (VCV001741109.6), dbSNP rs2544969981, ClinGen allele CA377903733.

ClinVar aggregate classification (germline): Uncertain significance. Review status: criteria provided, multiple submitters, no conflicts (2 of 4 stars). 2 submissions from 2 submitters: Uncertain significance (2). Last evaluated 2025-12-10.

Conditions:
Gorlin syndrome. Also called: Nevoid Basal Cell Carcinoma Syndrome; Basal cell nevus syndrome. Identifiers: Orphanet 377, MedGen C0004779, MONDO:0007187.
Medulloblastoma (MDB). Also called: MEDULLOBLASTOMA PREDISPOSITION SYNDROME; Medulloblastoma, somatic. Identifiers: Orphanet 616, MedGen C0025149, MeSH D008527, MONDO:0007959, OMIM 155255, HP:0002885.
Hereditary cancer-predisposing syndrome. Also called: Neoplastic Syndromes, Hereditary; Tumor predisposition; Hereditary Cancer Syndrome; Hereditary neoplastic syndrome. Identifiers: Orphanet 140162, MedGen C0027672, MeSH D009386, MONDO:0015356.

Submissions (2):

Ambry Genetics
Classification: Uncertain significance for Hereditary cancer-predisposing syndrome. Last evaluated: 2025-12-10. Review status: criteria provided, single submitter. Criteria: Ambry Variant Classification Scheme 2023. Collection method: clinical testing. Allele origin: germline.
Comment: The p.Q150H variant (also known as c.450G>C), located in coding exon 3 of the SUFU gene, results from a G to C substitution at nucleotide position 450. The glutamine at codon 150 is replaced by histidine, an amino acid with highly similar properties. This amino acid position is conserved. In addition, the in silico prediction for this alteration is inconclusive. Since supporting evidence is limited at this time, the clinical significance of this alteration remains unclear.

Labcorp Genetics (formerly Invitae), Labcorp
Classification: Uncertain significance for Gorlin syndrome; Medulloblastoma. Last evaluated: 2023-03-07. Review status: criteria provided, single submitter. Criteria: Invitae Variant Classification Sherloc (09022015). Collection method: clinical testing. Allele origin: germline.
Comment: In summary, the available evidence is currently insufficient to determine the role of this variant in disease. Therefore, it has been classified as a Variant of Uncertain Significance. Advanced modeling of protein sequence and biophysical properties (such as structural, functional, and spatial information, amino acid conservation, physicochemical variation, residue mobility, and thermodynamic stability) performed at Invitae indicates that this missense variant is not expected to disrupt SUFU protein function. ClinVar contains an entry for this variant (Variation ID: 1741109). This variant is not present in population databases (gnomAD no frequency). This variant has not been reported in the literature in individuals affected with SUFU-related conditions. This sequence change replaces glutamine, which is neutral and polar, with histidine, which is basic and polar, at codon 150 of the SUFU protein (p.Gln150His).